The following is an entry in ClinVar:

ClinVar aggregate classification (germline): Uncertain significance (1 of 4 stars; one submission).

Conditions:
Mucopolysaccharidosis, MPS-III-B (MPS3B). Also called: N-ACETYL-ALPHA-D-GLUCOSAMINIDASE DEFICIENCY; NAGLU DEFICIENCY; SANFILIPPO SYNDROME B; MPS III B; Mucopolysaccharidosis type IIIB (Sanfilippo B); MPS IIIB (Sanfilippo Syndrome Type B). Identifiers: Orphanet 79270, MedGen C0086648, MONDO:0009656, OMIM 252920.
Charcot-Marie-Tooth disease axonal type 2V. Also called: CHARCOT-MARIE-TOOTH NEUROPATHY, TYPE 2V; CHARCOT-MARIE-TOOTH DISEASE, AXONAL, AUTOSOMAL DOMINANT, TYPE 2V. Identifiers: Orphanet 447964, MedGen C5569050, MONDO:0014665, OMIM 616491.

Allele frequency attached by ClinVar (database versions not stated): gnomAD exomes below 0.00001.

Submission:

Labcorp Genetics (formerly Invitae), Labcorp
Classification: Uncertain significance for Charcot-Marie-Tooth disease axonal type 2V; Mucopolysaccharidosis, MPS-III-B. Last evaluated: 2024-06-03. Review status: criteria provided, single submitter. Criteria: Invitae Variant Classification Sherloc (09022015). Collection method: clinical testing. Allele origin: germline.
Comment: This sequence change replaces proline, which is neutral and non-polar, with serine, which is neutral and polar, at codon 258 of the NAGLU protein (p.Pro258Ser). This variant is present in population databases (no rsID available, gnomAD 0.006%). This variant has not been reported in the literature in individuals affected with NAGLU-related conditions. ClinVar contains an entry for this variant (Variation ID: 1924721). Advanced modeling of protein sequence and biophysical properties (such as structural, functional, and spatial information, amino acid conservation, physicochemical variation, residue mobility, and thermodynamic stability) has been performed at Invitae for this missense variant, however the output from this modeling did not meet the statistical confidence thresholds required to predict the impact of this variant on NAGLU protein function. In summary, the available evidence is currently insufficient to determine the role of this variant in disease. Therefore, it has been classified as a Variant of Uncertain Significance.

NM_000263.4(NAGLU):c.772C>T (p.Pro258Ser)

Gene: NAGLU (N-acetyl-alpha-glucosaminidase; plus strand). Cytogenetic location: 17q21.2.
Variant type: single nucleotide variant.
Coding change: c.772C>T on transcript NM_000263.4 (MANE Select); coding-DNA position 772, C replaced by T.
Protein change: p.Pro258Ser; replaces proline 258 with serine.
Molecular consequence: missense variant.
Genome position (GRCh38, 1-based): chr17:42,540,957, C>T. VCF-style: chr17-42540957-C-T. GRCh37 (hg19) VCF-style: chr17-40692975-C-T.
Other names: short protein forms P258S.
Identifiers: ClinVar variation 1924721 (VCV001924721.4), dbSNP rs1160168612, ClinGen allele CA399599724.